The following is an entry in ClinVar:

ClinVar aggregate classification (germline): Uncertain significance (1 of 4 stars; one submission).

Submission:

Labcorp Genetics (formerly Invitae), Labcorp
Classification: Uncertain significance. Last evaluated: 2023-12-30. Review status: criteria provided, single submitter. Criteria: Invitae Variant Classification Sherloc (09022015). Collection method: clinical testing. Allele origin: germline.
Comment: This sequence change replaces proline, which is neutral and non-polar, with serine, which is neutral and polar, at codon 2126 of the ZNF469 protein (p.Pro2126Ser). This variant is not present in population databases (gnomAD no frequency). This variant has not been reported in the literature in individuals affected with ZNF469-related conditions. Algorithms developed to predict the effect of missense changes on protein structure and function output the following: SIFT: "Not Available"; PolyPhen-2: "Possibly Damaging"; Align-GVGD: "Not Available". The serine amino acid residue is found in multiple mammalian species, which suggests that this missense change does not adversely affect protein function. In summary, the available evidence is currently insufficient to determine the role of this variant in disease. Therefore, it has been classified as a Variant of Uncertain Significance.

NM_001367624.2(ZNF469):c.6460C>T (p.Pro2154Ser)

Gene: ZNF469 (zinc finger protein 469; plus strand). Cytogenetic location: 16q24.2.
Variant type: single nucleotide variant.
Coding change: c.6460C>T on transcript NM_001367624.2 (MANE Select); coding-DNA position 6460, C replaced by T.
Protein change: p.Pro2154Ser; replaces proline 2154 with serine.
Molecular consequence: missense variant.
Genome position (GRCh38, 1-based): chr16:88,433,930, C>T. VCF-style: chr16-88433930-C-T. GRCh37 (hg19) VCF-style: chr16-88500338-C-T.
Other names: short protein forms P2154S.
Identifiers: ClinVar variation 2706329 (VCV002706329.1), dbSNP rs2507593551, ClinGen allele CA397105982.